The following is an entry in ClinVar:

NM_000038.6(APC):c.2208G>C (p.Lys736Asn)

Gene: APC (APC regulator of Wnt signaling pathway; plus strand). Cytogenetic location: 5q22.2.
Variant type: single nucleotide variant.
Coding change: c.2208G>C on transcript NM_000038.6 (MANE Select); coding-DNA position 2208, G replaced by C.
Protein change: p.Lys736Asn; replaces lysine 736 with asparagine.
Molecular consequence: missense variant.
Genome position (GRCh38, 1-based): chr5:112,837,802, G>C. VCF-style: chr5-112837802-G-C. GRCh37 (hg19) VCF-style: chr5-112173499-G-C.
Other names: c.2208G>C, p.Lys736Asn (NM_001127510.3, NM_001354895.2, NM_001407450.1); c.2154G>C, p.Lys718Asn (NM_001127511.3); c.2262G>C, p.Lys754Asn (NM_001354896.2, NM_001407447.1, NM_001407448.1 and 1 more transcripts); c.2238G>C, p.Lys746Asn (NM_001354897.2); c.2133G>C, p.Lys711Asn (NM_001354898.2); c.2124G>C, p.Lys708Asn (NM_001354899.2); c.2085G>C, p.Lys695Asn (NM_001354900.2); c.2031G>C, p.Lys677Asn (NM_001354901.2, NM_001407453.1); and 11 more; short protein forms K677N, K695N, K708N, K726N, K736N, K746N, K754N, K352N.
Identifiers: ClinVar variation 2125861 (VCV002125861.4), dbSNP rs2149863291, ClinGen allele CA16026168.

ClinVar aggregate classification (germline): Uncertain significance (1 of 4 stars; one submission).

Conditions:
Familial adenomatous polyposis 1 (FAP1). Also called: POLYPOSIS, ADENOMATOUS INTESTINAL; FAMILIAL ADENOMATOUS POLYPOSIS 1, ATTENUATED. Identifiers: MedGen C2713442, MONDO:0021056, OMIM 175100. Disease mechanism: loss of function.

Submission:

Labcorp Genetics (formerly Invitae), Labcorp
Classification: Uncertain significance for Familial adenomatous polyposis 1. Last evaluated: 2022-04-13. Review status: criteria provided, single submitter. Criteria: Invitae Variant Classification Sherloc (09022015). Collection method: clinical testing. Allele origin: germline.
Comment: This variant has not been reported in the literature in individuals affected with APC-related conditions. This variant is not present in population databases (gnomAD no frequency). This sequence change replaces lysine, which is basic and polar, with asparagine, which is neutral and polar, at codon 736 of the APC protein (p.Lys736Asn). In summary, the available evidence is currently insufficient to determine the role of this variant in disease. Therefore, it has been classified as a Variant of Uncertain Significance. Algorithms developed to predict the effect of missense changes on protein structure and function are either unavailable or do not agree on the potential impact of this missense change (SIFT: "Deleterious"; PolyPhen-2: "Possibly Damaging"; Align-GVGD: "Class C0").